The following is an entry in ClinVar:

ClinVar aggregate classification (germline): Benign. Review status: criteria provided, multiple submitters, no conflicts (2 of 4 stars). 12 submissions from 12 submitters: Benign (10). 2 of the submissions do not count toward it. Last evaluated 2026-02-03.

Conditions:
Inborn genetic diseases. Identifiers: MedGen C0950123, MeSH D030342.
Cornelia de Lange syndrome 3 (CDLS3). Also called: SMC3-Related Cornelia de Lange Syndrome; CORNELIA DE LANGE SYNDROME 3 WITH OR WITHOUT MIDLINE BRAIN DEFECTS. Identifiers: Orphanet 199, MedGen C1853099, MONDO:0012555, OMIM 610759.

Allele frequency attached by ClinVar (database versions not stated): 1000 Genomes Project 30x 0.98610; 1000 Genomes Project 0.98682; TOPMed 0.98815; gnomAD 0.98861 and 0.98938; ESP Exome Variant Server 0.98985.

Submissions (12):

Labcorp Genetics (formerly Invitae), Labcorp
Classification: Benign for Cornelia de Lange syndrome 3. Last evaluated: 2026-02-03. Review status: criteria provided, single submitter. Criteria: Invitae Variant Classification Sherloc (09022015). Collection method: clinical testing. Allele origin: germline.

Blueprint Genetics
Classification: Benign. Last evaluated: 2024-11-27. Review status: criteria provided, single submitter. Criteria: ACMG Guidelines, 2015. Collection method: clinical testing. Allele origin: germline.

Genome-Nilou Lab
Classification: Benign for Cornelia de Lange syndrome 3. Last evaluated: 2021-07-15. Review status: criteria provided, single submitter. Criteria: ACMG Guidelines, 2015. Collection method: clinical testing. Allele origin: germline. Affected: no.

Athena Diagnostics
Classification: Benign. Last evaluated: 2018-05-03. Review status: criteria provided, single submitter. Criteria: Athena Diagnostics Criteria. Collection method: clinical testing. Allele origin: germline.

Illumina Laboratory Services, Illumina
Classification: Benign for Cornelia de Lange syndrome 3. Last evaluated: 2018-01-13. Review status: criteria provided, single submitter. Criteria: ICSL Variant Classification Criteria 13 December 2019. Collection method: clinical testing. Allele origin: germline.
Comment: This variant was observed in the ICSL laboratory as part of a predisposition screen in an ostensibly healthy population. It had not been previously curated by ICSL or reported in the Human Gene Mutation Database (HGMD: prior to June 1st, 2018), and was therefore a candidate for classification through an automated scoring system. Utilizing variant allele frequency, disease prevalence and penetrance estimates, and inheritance mode, an automated score was calculated to assess if this variant is too frequent to cause the disease. Based on the score and internal cut-off values, a variant classified as benign is not then subjected to further curation. The score for this variant resulted in a classification of benign for this disease.

GeneDx
Classification: Benign. Last evaluated: 2017-03-06. Review status: criteria provided, single submitter. Criteria: GeneDx Variant Classification (06012015). Collection method: clinical testing. Allele origin: germline. Affected: yes.
Comment: This variant is considered likely benign or benign based on one or more of the following criteria: it is a conservative change, it occurs at a poorly conserved position in the protein, it is predicted to be benign by multiple in silico algorithms, and/or has population frequency not consistent with disease.

Ambry Genetics
Classification: Benign for Inborn genetic diseases. Last evaluated: 2016-02-15. Review status: criteria provided, single submitter. Criteria: Ambry Variant Classification Scheme 2023. Collection method: clinical testing. Allele origin: germline.

Genetic Services Laboratory, University of Chicago
Classification: Benign. Last evaluated: 2013-08-15. Review status: criteria provided, single submitter. Criteria: ACMG Guidelines, 2007. Collection method: clinical testing. Allele origin: germline. Inheritance: Autosomal dominant inheritance.

Breakthrough Genomics
Classification: Benign. Review status: criteria provided, single submitter. Criteria: ACMG Guidelines, 2015. Collection method: not provided. Allele origin: germline. Inheritance: Autosomal dominant inheritance. Affected: yes.

PreventionGenetics, part of Exact Sciences
Classification: Benign. Review status: criteria provided, single submitter. Criteria: ACMG Guidelines, 2015. Collection method: clinical testing. Allele origin: germline.

Diagnostic Laboratory, Department of Genetics, University Medical Center Groningen
Classification: Benign. Review status: no assertion criteria provided. Collection method: clinical testing. Allele origin: germline. Affected: yes. Study: VKGL Data-share Consensus. Not counted in ClinVar's aggregate classification.

Joint Genome Diagnostic Labs from Nijmegen and Maastricht, Radboudumc and MUMC+
Classification: Benign. Review status: no assertion criteria provided. Collection method: clinical testing. Allele origin: germline. Affected: yes. Study: VKGL Data-share Consensus. Not counted in ClinVar's aggregate classification.

NM_005445.4(SMC3):c.3039A>G (p.Ser1013=)

Gene: SMC3 (structural maintenance of chromosomes 3; plus strand). Cytogenetic location: 10q25.2.
Variant type: single nucleotide variant.
Coding change: c.3039A>G on transcript NM_005445.4 (MANE Select); coding-DNA position 3039, A replaced by G.
Protein change: p.Ser1013=; no amino-acid change (serine 1013 retained).
Molecular consequence: synonymous variant.
Genome position (GRCh38, 1-based): chr10:110,602,112, A>G. VCF-style: chr10-110602112-A-G. GRCh37 (hg19) VCF-style: chr10-112361870-A-G.
Identifiers: ClinVar variation 159985 (VCV000159985.32), dbSNP rs2419565, ClinGen allele CA173529.